The following is an entry in ClinVar:

NM_015687.5(FILIP1):c.2754C>T (p.His918=)

Gene: FILIP1 (filamin A interacting protein 1; minus strand). Cytogenetic location: 6q14.1.
Variant type: single nucleotide variant.
Coding change: c.2754C>T on transcript NM_015687.5 (MANE Select); coding-DNA position 2754, C replaced by T.
Protein change: p.His918=; no amino-acid change (histidine 918 retained).
Molecular consequence: synonymous variant.
Genome position (GRCh38, 1-based): chr6:75,313,078, G>A on the plus strand (C>T on the coding strand, the complement: FILIP1 is on the minus strand). VCF-style: chr6-75313078-G-A. GRCh37 (hg19) VCF-style: chr6-76022794-G-A.
Other names: c.2763C>T, p.His921= (NM_001289987.3); c.2754C>T, p.His918= (NM_001300866.3).
Identifiers: ClinVar variation 4873080 (VCV004873080.2).
Genomic context (GRCh38, chr6:75,313,078, plus strand): 5'-ACTAGAAAAAAATTCTTCAGATGTCGGGCTTGTTATCTCCAAAGTCGCAGTGCTGTTCTC[G>A]TGGTCTGGTGTCACTCGAATATGCAGGGGCTGGCCCTGCTTTGGTGAAAGGACTACCTCT-3'
Protein context (NP_056502.1, residues 908-928): QPLHIRVTPD[His918=]ENSTATLEIT

ClinVar aggregate classification (germline): Likely benign (1 of 4 stars; one submission).

gnomAD v4.1: 314 of 1,614,062 alleles (0.019%); highest among the groups gnomAD compares: Admixed American, 0.05%; no homozygotes.

Submission:

CeGaT Center for Human Genetics Tuebingen
Classification: Likely benign. Last evaluated: 2026-05-01. Review status: criteria provided, single submitter. Criteria: CeGaT Center For Human Genetics Tuebingen Variant Classification Criteria Version 2. Collection method: clinical testing. Allele origin: germline. Affected: yes. Observed: 1 variant allele.
Comment: FILIP1: BP4, BP7